The following is an entry in ClinVar:

NM_004700.4(KCNQ4):c.1208C>T (p.Pro403Leu)

Gene: KCNQ4 (potassium voltage-gated channel subfamily Q member 4; plus strand). Cytogenetic location: 1p34.2.
Variant type: single nucleotide variant.
Coding change: c.1208C>T on transcript NM_004700.4 (MANE Select); coding-DNA position 1208, C replaced by T.
Protein change: p.Pro403Leu; replaces proline 403 with leucine.
Molecular consequence: missense variant. On other transcripts: intron variant (1).
Genome position (GRCh38, 1-based): chr1:40,824,174, C>T. VCF-style: chr1-40824174-C-T. GRCh37 (hg19) VCF-style: chr1-41289846-C-T.
Other names: c.1130+1772C>T (NM_172163.3); short protein forms P403L.
Identifiers: ClinVar variation 1187613 (VCV001187613.11), dbSNP rs887762794, ClinGen allele CA21116292.
Genomic context (GRCh38, chr1:40,824,174, plus strand): 5'-TTGAGCACGTGCAACGGGCCCGCAATGGGGGCCTACGGCCCCTGGAGGTGCGGCGGGCGC[C>T]GGTACCCGACGGAGCACCCTCCCGTTACCCGCCCGTTGCCACCTGCCACCGGCCGGGCAG-3'
Protein context (NP_004691.2, residues 393-413): GLRPLEVRRA[Pro403Leu]VPDGAPSRYP

ClinVar aggregate classification (germline): Uncertain significance. Review status: criteria provided, multiple submitters, no conflicts (2 of 4 stars). 5 submissions from 5 submitters: Uncertain significance (5). Last evaluated 2024-07-02.

Conditions:
Autosomal dominant nonsyndromic hearing loss 2A. Also called: DFNA2 Nonsyndromic Hearing Loss; Deafness, autosomal dominant 2A; Autosomal dominant nonsyndromic deafness 2A. Identifiers: Orphanet 90635, MedGen C2677637, MONDO:0010817, OMIM 600101.
Inborn genetic diseases. Identifiers: MedGen C0950123, MeSH D030342.

Allele frequency attached by ClinVar (database versions not stated): gnomAD 0.00001; gnomAD exomes 0.00001 and 0.00002; TOPMed 0.00002.
gnomAD v4.1: 21 of 1,559,686 alleles (0.0013%); highest among the groups gnomAD compares: Admixed American, 0.0038%; no homozygotes.

Submissions (5):

Labcorp Genetics (formerly Invitae), Labcorp
Classification: Uncertain significance. Last evaluated: 2024-07-02. Review status: criteria provided, single submitter. Criteria: Invitae Variant Classification Sherloc (09022015). Collection method: clinical testing. Allele origin: germline.
Comment: This sequence change replaces proline, which is neutral and non-polar, with leucine, which is neutral and non-polar, at codon 403 of the KCNQ4 protein (p.Pro403Leu). This variant is present in population databases (no rsID available, gnomAD 0.008%). This variant has not been reported in the literature in individuals affected with KCNQ4-related conditions. ClinVar contains an entry for this variant (Variation ID: 1187613). Advanced modeling of protein sequence and biophysical properties (such as structural, functional, and spatial information, amino acid conservation, physicochemical variation, residue mobility, and thermodynamic stability) has been performed at Invitae for this missense variant, however the output from this modeling did not meet the statistical confidence thresholds required to predict the impact of this variant on KCNQ4 protein function. In summary, the available evidence is currently insufficient to determine the role of this variant in disease. Therefore, it has been classified as a Variant of Uncertain Significance.

Genome-Nilou Lab
Classification: Uncertain significance for Autosomal dominant nonsyndromic hearing loss 2A. Last evaluated: 2023-04-11. Review status: criteria provided, single submitter. Criteria: ACMG Guidelines, 2015. Collection method: clinical testing. Allele origin: germline. Affected: no.

Ambry Genetics
Classification: Uncertain significance for Inborn genetic diseases. Last evaluated: 2023-02-28. Review status: criteria provided, single submitter. Criteria: Ambry Variant Classification Scheme 2023. Collection method: clinical testing. Allele origin: germline.

GeneDx
Classification: Uncertain significance. Last evaluated: 2022-12-02. Review status: criteria provided, single submitter. Criteria: GeneDx Variant Classification Process June 2021. Collection method: clinical testing. Allele origin: germline. Affected: yes.
Comment: In silico analysis, which includes protein predictors and evolutionary conservation, supports that this variant does not alter protein structure/function; Has not been previously published as pathogenic or benign to our knowledge

Revvity Omics, Revvity
Classification: Uncertain significance for Autosomal dominant nonsyndromic hearing loss 2A. Last evaluated: 2022-01-07. Review status: criteria provided, single submitter. Criteria: ACMG Guidelines, 2015. Collection method: clinical testing. Allele origin: germline.